The following is an entry in ClinVar:

NM_004172.5(SLC1A3):c.552A>G (p.Glu184=)

Genes: SLC1A3 (solute carrier family 1 member 3; plus strand), SLC1A3-AS1 (SLC1A3 antisense RNA 1; minus strand). Cytogenetic location: 5p13.2.
Variant type: single nucleotide variant.
Coding change: c.552A>G on transcript NM_004172.5 (MANE Select); coding-DNA position 552, A replaced by G.
Protein change: p.Glu184=; no amino-acid change (glutamic acid 184 retained).
Molecular consequence: synonymous variant. On other transcripts: intron variant (1).
Genome position (GRCh38, 1-based): chr5:36,674,076, A>G. VCF-style: chr5-36674076-A-G. GRCh37 (hg19) VCF-style: chr5-36674178-A-G.
Other names: c.552A>G, p.Glu184= (NM_001166695.3, NM_001438454.1, NM_001438455.1 and 4 more transcripts); c.414A>G, p.Glu138= (NM_001289939.2); c.270A>G, p.Glu90= (NM_001438460.1); c.252A>G, p.Glu84= (NM_001438461.1); c.231A>G, p.Glu77= (NM_001438462.1); c.524+2843A>G (NM_001289940.2).
Identifiers: ClinVar variation 4682438 (VCV004682438.1).
Genomic context (GRCh38, chr5:36,674,076, plus strand): 5'-AAATTTTGCAAGTGACTATTACTTTCTTTGCAGGAACATGTTCCCTCCAAATCTGGTAGA[A>G]GCCTGCTTTAAACAGGTAAACACTCTACAGACATTAACTTGCCTTTTAAATTCCTCTTTT-3'
Protein context (NP_004163.3, residues 174-194): IRNMFPPNLV[Glu184=]ACFKQFKTNY

ClinVar aggregate classification (germline): Benign (1 of 4 stars; one submission).

gnomAD v4.1: 69 of 1,613,258 alleles (0.0043%); highest among the groups gnomAD compares: East Asian, 0.025%; 1 homozygote.

Submission:

Athena Diagnostics
Classification: Benign. Last evaluated: 2025-10-10. Review status: criteria provided, single submitter. Criteria: Athena Diagnostics Criteria. Collection method: clinical testing. Allele origin: unknown.
Comment: The frequency of this variant in the general population is higher than would generally be expected for pathogenic variants in this gene. Computational tools yielded predictions that this variant is unlikely to have an effect on normal RNA splicing.